The following is an entry in ClinVar:

ClinVar aggregate classification (germline): Uncertain significance (1 of 4 stars; one submission).

Conditions:
Malignant hyperthermia, susceptibility to, 1 (MHS1). Also called: Anesthesia related hyperthermia; Malignant hyperpyrexia; Fulminating hyperpyrexia; Pharmacogenic myopathy; RYR1-Related Malignant Hyperthermia Susceptibility; Malignant hyperthermia suceptibility 1. Identifiers: Orphanet 423, MedGen C2930980, MONDO:0007783, OMIM 145600.

Submission:

All of Us Research Program, National Institutes of Health
Classification: Uncertain significance for Malignant hyperthermia, susceptibility to, 1. Last evaluated: 2023-08-15. Review status: criteria provided, single submitter. Criteria: ACMG Guidelines, 2015. Collection method: clinical testing. Allele origin: germline. Inheritance: Autosomal dominant inheritance. Observed: 1 variant allele, 1 heterozygote.
Comment: This missense variant replaces methionine with leucine at codon 3250 of the RYR1 protein. Computational prediction suggests that this variant may not impact protein structure and function (internally defined REVEL score threshold <= 0.5, PMID: 27666373). To our knowledge, functional studies have not been reported for this variant. This variant has not been reported in individuals affected with RYR1-related disorders in the literature. This variant has not been identified in the general population by the Genome Aggregation Database (gnomAD). The available evidence is insufficient to determine the role of this variant in disease conclusively. Therefore, this variant is classified as a Variant of Uncertain Significance.

This study involves interpretation of variants in research participants for the purpose of population health screening. Participant phenotype was not available at the time of variant classification. Additional details can be found in publication PMID: 35346344, PMCID: PMC8962531

NM_000540.3(RYR1):c.9748A>C (p.Met3250Leu)

Gene: RYR1 (ryanodine receptor 1; plus strand). Cytogenetic location: 19q13.2.
Variant type: single nucleotide variant.
Coding change: c.9748A>C on transcript NM_000540.3 (MANE Select); coding-DNA position 9748, A replaced by C.
Protein change: p.Met3250Leu; replaces methionine 3250 with leucine.
Molecular consequence: missense variant.
Genome position (GRCh38, 1-based): chr19:38,517,421, A>C. VCF-style: chr19-38517421-A-C. GRCh37 (hg19) VCF-style: chr19-39008061-A-C.
Other names: c.9748A>C, p.Met3250Leu (NM_001042723.2); short protein forms M3250L.
Identifiers: ClinVar variation 3072907 (VCV003072907.1), dbSNP rs2514432702, ClinGen allele CA405691784.